The following is an entry in ClinVar:

ClinVar aggregate classification (germline): Conflicting classifications of pathogenicity. Review status: criteria provided, conflicting classifications (1 of 4 stars). 5 submissions from 5 submitters: Likely pathogenic (1); Uncertain significance (2). 2 of the submissions do not count toward it. Last evaluated 2024-06-04.

Conditions:
Jeune thoracic dystrophy. Also called: Jeune syndrome; Infantile thoracic dystrophy; Thoracic pelvic phalangeal dystrophy; Jeune's syndrome; Chondroectodermal dysplasia-like syndrome; Short-rib thoracic dysplasia. Identifiers: Orphanet 474, MedGen C0265275, MONDO:0018770.
Asphyxiating thoracic dystrophy 3. Also called: POLYDACTYLY WITH NEONATAL CHONDRODYSTROPHY, TYPE I; Saldino-Noonan Syndrome; Short rib polydactyly syndrome 2B; SHORT-RIB THORACIC DYSPLASIA 3/6 WITH POLYDACTYLY, DIGENIC; SHORT-RIB THORACIC DYSPLASIA 3 WITH OR WITHOUT POLYDACTYLY. Identifiers: Orphanet 474, Orphanet 93269, Orphanet 93270, Orphanet 93271, MedGen C0036069, MONDO:0013127, OMIM 613091.

Allele frequency attached by ClinVar (database versions not stated): ExAC 0.00003; TOPMed 0.00003; gnomAD 0.00004; gnomAD exomes 0.00004 and 0.00006.
gnomAD v4.1: 86 of 1,609,920 alleles (0.0053%); highest among the groups gnomAD compares: Non-Finnish European, 0.0073%; no homozygotes.

Submissions (5):

Labcorp Genetics (formerly Invitae), Labcorp
Classification: Uncertain significance for Jeune thoracic dystrophy. Last evaluated: 2024-06-04. Review status: criteria provided, single submitter. Criteria: Invitae Variant Classification Sherloc (09022015). Collection method: clinical testing. Allele origin: germline.
Comment: This sequence change replaces asparagine, which is neutral and polar, with lysine, which is basic and polar, at codon 2160 of the DYNC2H1 protein (p.Asn2160Lys). This variant is present in population databases (rs775426647, gnomAD 0.008%). This missense change has been observed in individual(s) with DYNC2H1-related conditions (PMID: 29068549). ClinVar contains an entry for this variant (Variation ID: 446572). An algorithm developed to predict the effect of missense changes on protein structure and function (PolyPhen-2) suggests that this variant is likely to be tolerated. In summary, the available evidence is currently insufficient to determine the role of this variant in disease. Therefore, it has been classified as a Variant of Uncertain Significance.

Department of Pathology and Laboratory Medicine, Sinai Health System
Classification: Uncertain significance for asphyxiating thoracic dystrophy 3. Last evaluated: 2023-05-15. Review status: criteria provided, single submitter. Criteria: ACMG Guidelines, 2015. Collection method: research. Allele origin: germline.

Greenwood Genetic Center Diagnostic Laboratories, Greenwood Genetic Center
Classification: Likely pathogenic for Asphyxiating thoracic dystrophy 3. Last evaluated: 2022-04-27. Review status: criteria provided, single submitter. Criteria: ACMG Guidelines, 2015. Collection method: clinical testing. Allele origin: germline. Affected: yes.
Comment: PM1, PM2, PM3

Dan Cohn Lab, University Of California Los Angeles
Classification: Pathogenic for Asphyxiating thoracic dystrophy 3. Last evaluated: 2017-06-01. Review status: no assertion criteria provided. Collection method: research. Allele origin: unknown. Affected: yes. Not counted in ClinVar's aggregate classification.

University of Washington Center for Mendelian Genomics, University of Washington
Classification: Likely pathogenic for Asphyxiating thoracic dystrophy 3. Review status: no assertion criteria provided. Collection method: research. Allele origin: inherited. Affected: yes. Not counted in ClinVar's aggregate classification.

Literature cited by the submitters: PubMed 29068549 (cited by 3 submitters).

NM_001377.3(DYNC2H1):c.6480T>A (p.Asn2160Lys)

Gene: DYNC2H1 (dynein cytoplasmic 2 heavy chain 1; plus strand). Cytogenetic location: 11q22.3.
Variant type: single nucleotide variant.
Coding change: c.6480T>A on transcript NM_001377.3 (MANE Select); coding-DNA position 6480, T replaced by A.
Protein change: p.Asn2160Lys; replaces asparagine 2160 with lysine.
Molecular consequence: missense variant.
Genome position (GRCh38, 1-based): chr11:103,184,898, T>A. VCF-style: chr11-103184898-T-A. GRCh37 (hg19) VCF-style: chr11-103055627-T-A.
Other names: c.6480T>A, p.Asn2160Lys (NM_001080463.2); short protein forms N2160K.
Identifiers: ClinVar variation 446572 (VCV000446572.14), dbSNP rs775426647, ClinGen allele CA6253989.